The following is an entry in ClinVar:

NM_031433.4(MFRP):c.542C>T (p.Ala181Val)

Genes: C1QTNF5 (C1q and TNF related 5; minus strand), MFRP (membrane frizzled-related protein; minus strand). Cytogenetic location: 11q23.3.
Variant type: single nucleotide variant.
Coding change: c.542C>T on transcript NM_031433.4 (MANE Select); coding-DNA position 542, C replaced by T.
Protein change: p.Ala181Val; replaces alanine 181 with valine.
Molecular consequence: missense variant. On other transcripts: 5 prime UTR variant (1).
Genome position (GRCh38, 1-based): chr11:119,345,519, G>A on the plus strand (C>T on the coding strand, the complement: MFRP is on the minus strand). VCF-style: chr11-119345519-G-A. GRCh37 (hg19) VCF-style: chr11-119216229-G-A.
Other names: c.-2095C>T (NM_015645.5); short protein forms A181V.
Identifiers: ClinVar variation 1063679 (VCV001063679.9), dbSNP rs2135373435, ClinGen allele CA382978221.
Genomic context (GRCh38, chr11:119,345,519, plus strand): 5'-CGATCAAAAAGGCAAGAGGCCACACTCTCTATGCTGAGGGCTTCGATCTTGAGCTGTATT[G>A]CATGGTCTGTGGCCACCTGGATATGCCACACGCAGTGGGTGTTGGGGGGGTAAGGGTCTG-3'
Protein context (NP_113621.1, residues 171-191): VWHIQVATDH[Ala181Val]IQLKIEALSI

ClinVar aggregate classification (germline): Uncertain significance (1 of 4 stars; one submission).

Conditions:
Isolated microphthalmia 5. Also called: Posterior Microphthalmia with Retinitis Pigmentosa, Foveoschisis, and Optic Disc Drusen. Identifiers: Orphanet 251279, MedGen C1970236, MONDO:0012605, OMIM 611040.

gnomAD v4.1: 5 of 1,614,128 alleles (0.00031%); highest among the groups gnomAD compares: Middle Eastern, 0.033%; no homozygotes.

Submission:

Labcorp Genetics (formerly Invitae), Labcorp
Classification: Uncertain significance for Isolated microphthalmia 5. Last evaluated: 2020-08-15. Review status: criteria provided, single submitter. Criteria: Invitae Variant Classification Sherloc (09022015). Collection method: clinical testing. Allele origin: germline.
Comment: In summary, the available evidence is currently insufficient to determine the role of this variant in disease. Therefore, it has been classified as a Variant of Uncertain Significance. Algorithms developed to predict the effect of missense changes on protein structure and function output the following: SIFT: "Tolerated"; PolyPhen-2: "Benign"; Align-GVGD: "Class C0". The valine amino acid residue is found in multiple mammalian species, suggesting that this missense change does not adversely affect protein function. These predictions have not been confirmed by published functional studies and their clinical significance is uncertain. This variant has not been reported in the literature in individuals with MFRP-related conditions. This variant is not present in population databases (ExAC no frequency). This sequence change replaces alanine with valine at codon 181 of the MFRP protein (p.Ala181Val). The alanine residue is weakly conserved and there is a small physicochemical difference between alanine and valine.